The following is an entry in ClinVar:

NM_005035.4(POLRMT):c.2574_2575insT (p.Lys859Ter)

Gene: POLRMT (RNA polymerase mitochondrial; minus strand). Cytogenetic location: 19p13.3.
Variant type: Insertion.
Coding change: c.2574_2575insT on transcript NM_005035.4 (MANE Select); coding-DNA positions 2574 to 2575, T inserted.
Protein change: p.Lys859Ter; replaces lysine 859 with a stop codon.
Molecular consequence: nonsense. On other transcripts: non-coding transcript variant (1).
Genome position: GRCh38 VCF-style: chr19-621123-T-TA. GRCh37 (hg19) VCF-style: chr19-621123-T-TA.
Other names: c.2574_2575insT, p.Lys859Ter (NM_001407812.1, NM_001407814.1, NM_001407815.1 and 4 more transcripts); c.2532_2533insT, p.Lys845Ter (NM_001407813.1, NM_001407811.1); c.2349_2350insT, p.Lys784Ter (NM_001407830.1, NM_001407832.1); c.2250_2251insT, p.Lys751Ter (NM_001407831.1, NM_001407833.1, NM_001407835.1 and 1 more transcripts); c.2565_2566insT, p.Lys856Ter (NM_001407806.1, NM_001407809.1); c.2562_2563insT, p.Lys855Ter (NM_001407807.1, NM_001407810.1); c.2241_2242insT, p.Lys748Ter (NM_001407834.1); short protein forms K748*, K751*, K784*, K845*, K855*, K856*, K859*.
Identifiers: ClinVar variation 4884211 (VCV004884211.2).

ClinVar aggregate classification (germline): Likely pathogenic (1 of 4 stars; one submission).

Submission:

Dasa
Classification: Likely pathogenic. Last evaluated: 2024-07-03. Review status: criteria provided, single submitter. Criteria: DASA Assertion Criteria. Collection method: clinical testing. Allele origin: germline.
Comment: NM_005035.4(POLRMT):c.2574_2575insT (p.Lys859*) is a frameshift variant in POLRMT predicted to alter the reading frame and introduce a premature termination codon and is predicted to result in an absent or altered protein product. Loss of function is an established disease mechanism for POLRMT-associated disorders. Also, this variant is rare in population databases. Based on the currently available evidence, this variant is classified as likely pathogenic.